The following is an entry in ClinVar:

NM_003793.4(CTSF):c.1045+1G>T

Gene: CTSF (cathepsin F; minus strand). Cytogenetic location: 11q13.2.
Variant type: single nucleotide variant.
Coding change: c.1045+1G>T on transcript NM_003793.4 (MANE Select); the canonical splice donor site of the intron after coding-DNA position 1045, G replaced by T.
Molecular consequence: splice donor variant.
Genome position (GRCh38, 1-based): chr11:66,565,670, C>A on the plus strand (G>T on the coding strand, the complement: CTSF is on the minus strand). VCF-style: chr11-66565670-C-A. GRCh37 (hg19) VCF-style: chr11-66333141-C-A.
Other names: c.1045+1G>T (NM_003793.3).
Identifiers: ClinVar variation 1324192 (VCV001324192.6), dbSNP rs1456291681, ClinGen allele CA381458466.

ClinVar aggregate classification (germline): Likely pathogenic. Review status: criteria provided, multiple submitters, no conflicts (2 of 4 stars). 2 submissions from 2 submitters: Likely pathogenic (2). Last evaluated 2021-07-13.

Conditions:
Inborn genetic diseases. Identifiers: MedGen C0950123, MeSH D030342.
Neuronal ceroid lipofuscinosis 13 (CLN13). Also called: CEROID LIPOFUSCINOSIS, NEURONAL, 13 (KUFS TYPE); CLN13 Disease. Identifiers: Orphanet 352709, Orphanet 79262, MedGen C3715049, MONDO:0014147, OMIM 615362.

Allele frequency attached by ClinVar (database versions not stated): TOPMed below 0.00001; gnomAD exomes 0.00001.

Submissions (2):

Ambry Genetics
Classification: Likely pathogenic for Inborn genetic diseases. Last evaluated: 2021-07-13. Review status: criteria provided, single submitter. Criteria: Ambry Variant Classification Scheme 2023. Collection method: clinical testing. Allele origin: germline.
Comment: The c.1045+1G>T intronic variant results from a G to T substitution one nucleotide after coding exon 8 of the CTSF gene. Alterations that disrupt the canonical splice site are expected to cause aberrant splicing, resulting in an abnormal protein or a transcript that is subject to nonsense-mediated mRNA decay. Based on data from the Genome Aggregation Database (gnomAD), the CTSF c.1045+1G>T alteration was observed in 0.001% (3/250812) of total alleles studied, with a frequency of 0.003% (3/113316) in the European (non-Finnish) subpopulation. Based on the available evidence, this alteration is classified as likely pathogenic.

Revvity Omics, Revvity
Classification: Likely pathogenic for Neuronal ceroid lipofuscinosis 13. Last evaluated: 2021-05-14. Review status: criteria provided, single submitter. Criteria: ACMG Guidelines, 2015. Collection method: clinical testing. Allele origin: germline.